The following is an entry in ClinVar:

ClinVar aggregate classification (germline): Likely pathogenic. Review status: criteria provided, single submitter (1 of 4 stars). 2 submissions from 2 submitters: Likely pathogenic (1). 1 of the submissions does not count toward it. Last evaluated 2024-05-10.
ClinVar aggregate classification (somatic clinical impact): Tier I - Strong. Review status: criteria provided, single submitter (1 of 4 stars). 5 submissions from 1 submitter. Last evaluated 2025-10-15.

Conditions:
Pilomatrixoma (PTR). Also called: PILOMATRICOMA; EPITHELIOMA CALCIFICANS OF MALHERBE; Pilomatricoma, somatic. Identifiers: Orphanet 91414, MedGen C0206711, MeSH D018296, MONDO:0007564, OMIM 132600, HP:0030434.
Desmoid disease, hereditary (DESMD). Also called: FIBROMATOSIS, FAMILIAL INFILTRATIVE. Identifiers: Orphanet 873, MedGen C1851124, OMIM 135290. Disease mechanism: loss of function.
Solid pseudopapillary neoplasm of the pancreas. Identifiers: MedGen C1336030, MONDO:0044786.
Adamantinous craniopharyngioma. Identifiers: MedGen C0431129, MONDO:0002787.
Embryonal tumor with multilayered rosettes. Identifiers: Orphanet 656417, MedGen C5575350, MONDO:0958119.
Embryonal rhabdomyosarcoma (ERMS). Also called: Botryoid rhabdomyosarcoma (type of ERMS); Spindle cell rhabdomyosarcomas (type of ERMS). Identifiers: Orphanet 99757, MedGen C0206656, MONDO:0009993, HP:0006743.
Hepatoblastoma. Identifiers: Orphanet 449, MedGen C0206624, MONDO:0018666, HP:0002884.

Submissions (7):

Institute for Genomic Medicine (IGM) Clinical Laboratory, Nationwide Children's Hospital
Classification: Tier I - Strong for Solid pseudopapillary neoplasm of the pancreas. Assertion type: diagnostic. Clinical significance: supports diagnosis. Last evaluated: 2025-10-15. Review status: criteria provided, single submitter. Criteria: AMP/ASCO/CAP Guidelines, 2017. Collection method: clinical testing. Allele origin: somatic. Affected: yes.
Comment: Variant has Tier I (strong) clinical significance as a diagnostic inclusion criterion in solid pseudopapillary neoplasm of the pancreas, based on the following evidence: 1) Documented in one or more cancer databases (e.g., St. Jude Pecan, COSMIC, CIViC, OncoKB). 2) Appears in one or more well-established professional guidelines (e.g., World Health Organization [WHO]; National Comprehensive Cancer Network [NCCN]) as providing diagnostic, prognostic, or therapeutic information. 3) Information in the literature supports potential biologic effect of variant (PMIDs: 29435196, 30699286). 4) Diagnostic for a specific tumor type/classification according to professional guidelines (Evidence Level A; PMIDs: 11943721, 16967453, 30972907, 22158988, 32672484, 39991945).

Institute for Genomic Medicine (IGM) Clinical Laboratory, Nationwide Children's Hospital
Classification: Tier I - Strong for Adamantinous craniopharyngioma. Assertion type: diagnostic. Clinical significance: supports diagnosis. Last evaluated: 2024-12-09. Review status: criteria provided, single submitter. Criteria: AMP/ASCO/CAP Guidelines, 2017. Collection method: clinical testing. Allele origin: somatic. Affected: yes.
Comment: Variant has Tier I (strong) clinical significance as a diagnostic inclusion criterion in adamantinous craniopharyngioma, based on the following evidence: 1) Documented in one or more cancer databases (e.g., St. Jude Pecan, COSMIC, CIViC, OncoKB). 2) Appears in one or more well-established professional guidelines (e.g., World Health Organization [WHO]; National Comprehensive Cancer Network [NCCN]) as providing diagnostic, prognostic, or therapeutic information. 3) Information in the literature supports potential biologic effect of variant (PMIDs: 29435196, 32752153). 4) Diagnostic for a specific tumor type/classification according to professional guidelines (Evidence Level A; PMIDs: 12466115, 24413733, 28069929).

Clinical Genomics Laboratory, Washington University in St. Louis
Classification: Likely pathogenic for Desmoid disease, hereditary. Last evaluated: 2024-05-10. Review status: criteria provided, single submitter. Criteria: ACMG Guidelines, 2015. Collection method: clinical testing. Allele origin: somatic. Affected: yes.
Comment: A CTNNB1 c.122C>T (p.Thr41Ile) variant was identified at an allelic fraction consistent with somatic origin. This variant has been reported in several individuals with desmoid-type fibromatosis, particularly pediatric cases (Trautmann M et al., PMID: 32099073; An J et al., PMID: 33914771) in addition to pilomatricomas (Akasaka E et al., PMID: 28651848; Chan EF et al., PMID: 10192393). It has also been reported in numerous different types of malignancies in the cancer database COSMIC (COSV62688008). This variant is absent from the general population (gnomAD v.4.1.0), indicating it is not a common variant. The CTNNB1 c.122C>T (p.Thr41Ile) variant resides within a Gsk3b phosphorylation site of the CTNNB1 gene that is defined as a critical region and constitutes a mutational hotspot (Trautmann M et al., PMID: 32099073). Functional studies show that the p.Thr41Ile variant is predicted to confer a gain of function to the CTNNB1 protein as demonstrated by nuclear accumulation of CTNNB1 in culture, indicating that this variant impacts protein function (Garcia-Rostan G et al., PMID: 10213482). Based on an internally developed protocol informed by the ACMG/AMP guidelines (18), and gene-specific practices from the ClinGen Criteria Specification Registry, the CTNNB1 c.122C>T (p.Thr41Ile) variant is classified as likely pathogenic.

Institute for Genomic Medicine (IGM) Clinical Laboratory, Nationwide Children's Hospital
Classification: Tier I - Strong for Embryonal rhabdomyosarcoma. Assertion type: diagnostic. Clinical significance: supports diagnosis. Last evaluated: 2024-04-15. Review status: criteria provided, single submitter. Criteria: AMP/ASCO/CAP Guidelines, 2017. Collection method: clinical testing. Allele origin: somatic. Affected: yes.
Comment: Variant has Tier I (strong) clinical significance as a diagnostic inclusion criterion in embryonal rhabdomyosarcoma, based on the following evidence: 1) Documented in one or more cancer databases (e.g., St. Jude Pecan, COSMIC, CIViC, OncoKB). 2) Information in the literature supports potential biologic effect of variant (PMIDs: 29435196, 32752153). 3) Diagnostic for a specific tumor type/classification based on well-powered studies with expert-level consensus (Evidence Level B; PMIDs: 34166060, 24436047, 24332040, 22142829).

Institute for Genomic Medicine (IGM) Clinical Laboratory, Nationwide Children's Hospital
Classification: Tier I - Strong for Embryonal tumor with multilayered rosettes. Assertion type: diagnostic. Clinical significance: supports diagnosis. Last evaluated: 2024-02-20. Review status: criteria provided, single submitter. Criteria: AMP/ASCO/CAP Guidelines, 2017. Collection method: clinical testing. Allele origin: somatic. Affected: yes.
Comment: Variant has Tier I (strong) clinical significance as a diagnostic inclusion criterion in embryonal tumor with multilayered rosettes, based on the following evidence: 1) Documented in one or more cancer databases (e.g., St. Jude Pecan, COSMIC, CIViC, OncoKB). 2) Appears in one or more well-established professional guidelines (e.g., World Health Organization [WHO]; National Comprehensive Cancer Network [NCCN]) as providing diagnostic, prognostic, or therapeutic information. 3) Information in the literature supports potential biologic effect of variant (PMIDs: 29435196, 32752153). 4) Diagnostic for a specific tumor type/classification based on well-powered studies with expert-level consensus (Evidence Level B; PMID: 31802000).

Institute for Genomic Medicine (IGM) Clinical Laboratory, Nationwide Children's Hospital
Classification: Tier I - Strong for Hepatoblastoma. Assertion type: diagnostic. Clinical significance: supports diagnosis. Last evaluated: 2022-10-28. Review status: criteria provided, single submitter. Criteria: AMP/ASCO/CAP Guidelines, 2017. Collection method: clinical testing. Allele origin: somatic. Affected: yes.
Comment: Variant has Tier I (strong) clinical significance as a diagnostic inclusion criterion in hepatoblastoma, based on the following evidence: 1) Documented in one or more cancer databases (e.g., St. Jude Pecan, COSMIC, CIViC, OncoKB). 2) Appears in one or more well-established professional guidelines (e.g., World Health Organization [WHO]; National Comprehensive Cancer Network [NCCN]) as providing diagnostic, prognostic, or therapeutic information. 3) Diagnostic for a specific tumor type/classification according to professional guidelines (Evidence Level A; PMID: 34538872).

OMIM
Classification: Pathogenic for PILOMATRICOMA, SOMATIC. Last evaluated: 1999-04-01. Review status: no assertion criteria provided. Collection method: literature only. Allele origin: somatic. Not counted in ClinVar's aggregate classification.

Literature cited by the submitters: PubMed 29435196 (cited by Institute for Genomic Medicine (IGM) Clinical Laboratory, Nationwide Children's Hospital); PubMed 30699286 (cited by Institute for Genomic Medicine (IGM) Clinical Laboratory, Nationwide Children's Hospital); PubMed 11943721 (cited by Institute for Genomic Medicine (IGM) Clinical Laboratory, Nationwide Children's Hospital); PubMed 16967453 (cited by Institute for Genomic Medicine (IGM) Clinical Laboratory, Nationwide Children's Hospital); PubMed 30972907 (cited by Institute for Genomic Medicine (IGM) Clinical Laboratory, Nationwide Children's Hospital); PubMed 22158988 (cited by Institute for Genomic Medicine (IGM) Clinical Laboratory, Nationwide Children's Hospital); PubMed 32672484 (cited by Institute for Genomic Medicine (IGM) Clinical Laboratory, Nationwide Children's Hospital); PubMed 39991945 (cited by Institute for Genomic Medicine (IGM) Clinical Laboratory, Nationwide Children's Hospital); PubMed 32752153 (cited by Institute for Genomic Medicine (IGM) Clinical Laboratory, Nationwide Children's Hospital); PubMed 12466115 (cited by Institute for Genomic Medicine (IGM) Clinical Laboratory, Nationwide Children's Hospital); PubMed 24413733 (cited by Institute for Genomic Medicine (IGM) Clinical Laboratory, Nationwide Children's Hospital); PubMed 28069929 (cited by Institute for Genomic Medicine (IGM) Clinical Laboratory, Nationwide Children's Hospital); PubMed 34166060 (cited by Institute for Genomic Medicine (IGM) Clinical Laboratory, Nationwide Children's Hospital); PubMed 24436047 (cited by Institute for Genomic Medicine (IGM) Clinical Laboratory, Nationwide Children's Hospital); PubMed 24332040 (cited by Institute for Genomic Medicine (IGM) Clinical Laboratory, Nationwide Children's Hospital); PubMed 22142829 (cited by Institute for Genomic Medicine (IGM) Clinical Laboratory, Nationwide Children's Hospital); PubMed 31802000 (cited by Institute for Genomic Medicine (IGM) Clinical Laboratory, Nationwide Children's Hospital); PubMed 34538872 (cited by Institute for Genomic Medicine (IGM) Clinical Laboratory, Nationwide Children's Hospital); PubMed 10192393 (cited by OMIM).

NM_001904.4(CTNNB1):c.122C>T (p.Thr41Ile)

Genes: CTNNB1 (catenin beta 1; plus strand), LOC126806658 (BRD4-independent group 4 enhancer GRCh37_chr3:41265899-41267098; plus strand). Cytogenetic location: 3p22.1.
Variant type: single nucleotide variant.
Coding change: c.122C>T on transcript NM_001904.4 (MANE Select); coding-DNA position 122, C replaced by T.
Protein change: p.Thr41Ile; replaces threonine 41 with isoleucine.
Molecular consequence: missense variant.
Genome position (GRCh38, 1-based): chr3:41,224,634, C>T. VCF-style: chr3-41224634-C-T. GRCh37 (hg19) VCF-style: chr3-41266125-C-T.
Other names: c.122C>T, p.Thr41Ile (NM_001098209.2, NM_001098210.2); c.101C>T, p.Thr34Ile (NM_001330729.2); short protein forms T41I, T34I.
Identifiers: ClinVar variation 17587 (VCV000017587.6), dbSNP rs121913413, ClinGen allele CA127281.